The following is an entry in ClinVar:

ClinVar aggregate classification (germline): Uncertain significance (1 of 4 stars; one submission).

Conditions:
Primary dilated cardiomyopathy (DCM). Also called: Dilated Cardiomyopathy. Identifiers: Orphanet 217604, MedGen C0007193, MeSH D002311, MONDO:0005021, HP:0001644. Inheritance: Various modes of inheritance.

Submission:

Labcorp Genetics (formerly Invitae), Labcorp
Classification: Uncertain significance for Primary dilated cardiomyopathy. Last evaluated: 2023-02-14. Review status: criteria provided, single submitter. Criteria: Invitae Variant Classification Sherloc (09022015). Collection method: clinical testing. Allele origin: germline.
Comment: This sequence change replaces arginine, which is basic and polar, with glycine, which is neutral and non-polar, at codon 192 of the FHL2 protein (p.Arg192Gly). This variant is not present in population databases (gnomAD no frequency). This variant has not been reported in the literature in individuals affected with FHL2-related conditions. Advanced modeling of protein sequence and biophysical properties (such as structural, functional, and spatial information, amino acid conservation, physicochemical variation, residue mobility, and thermodynamic stability) performed at Invitae indicates that this missense variant is not expected to disrupt FHL2 protein function. In summary, the available evidence is currently insufficient to determine the role of this variant in disease. Therefore, it has been classified as a Variant of Uncertain Significance.

NM_001318895.3(FHL2):c.574A>G (p.Arg192Gly)

Genes: C2orf49 (chromosome 2 open reading frame 49; plus strand), FHL2 (four and a half LIM domains 2; minus strand). Cytogenetic location: 2q12.2.
Variant type: single nucleotide variant.
Coding change: c.574A>G on transcript NM_001318895.3 (MANE Select); coding-DNA position 574, A replaced by G.
Protein change: p.Arg192Gly; replaces arginine 192 with glycine.
Molecular consequence: missense variant.
Genome position (GRCh38, 1-based): chr2:105,363,399, T>C on the plus strand (A>G on the coding strand, the complement: FHL2 is on the minus strand). VCF-style: chr2-105363399-T-C. GRCh37 (hg19) VCF-style: chr2-105979856-T-C.
Other names: c.574A>G, p.Arg192Gly (NM_001039492.3, NM_001318894.1, NM_001318896.2 and 4 more transcripts); c.232A>G, p.Arg78Gly (NM_001318897.2, NM_001318898.2); c.250A>G, p.Arg84Gly (NM_001318899.2); short protein forms R192G, R78G, R84G.
Identifiers: ClinVar variation 2824374 (VCV002824374.3), dbSNP rs2467151455, ClinGen allele CA347997865.